The following is an entry in ClinVar:

NM_019844.4(SLCO1B3):c.1637dup (p.Leu546fs)

Genes: SLCO1B3 (solute carrier organic anion transporter family member 1B3; plus strand), SLCO1B3-SLCO1B7 (SLCO1B3-SLCO1B7 readthrough; plus strand). Cytogenetic location: 12p12.2.
Variant type: Duplication.
Coding change: c.1637dup on transcript NM_019844.4 (MANE Select); coding-DNA position 1637, one base duplicated (T; older notation c.1637dupT).
Protein change: p.Leu546fs; shifts the reading frame from leucine 546.
Molecular consequence: frameshift variant.
Genome position (GRCh38, 1-based): chr12:20,883,557, T duplicated; the last of 3 consecutive T bases (chr12:20,883,555-20,883,557); duplicating any one gives the same sequence. VCF-style (leftmost placement, unchanged base first): chr12-20883554-C-CT. GRCh37 (hg19) VCF-style: chr12-21036488-C-CT.
Other names: c.1637dup, p.Leu546fs (NM_001371097.1); c.1553dup, p.Leu518fs (NM_001349920.2); short protein forms L518fs, L546fs.
Identifiers: ClinVar variation 1330928 (VCV001330928.10), dbSNP rs78627909, ClinGen allele CA6475636.

ClinVar aggregate classification (germline): Pathogenic/Likely pathogenic. Review status: criteria provided, multiple submitters, no conflicts (2 of 4 stars). 2 submissions from 2 submitters: Pathogenic (1); Likely pathogenic (1). Last evaluated 2026-02-10.

Conditions:
Rotor syndrome (HBLRR). Also called: HYPERBILIRUBINEMIA, ROTOR TYPE, DIGENIC; HYPERBILIRUBINEMIA, ROTOR TYPE. Identifiers: Orphanet 3111, MedGen C0220991, MONDO:0009379, OMIM 237450.
SLCO1B3-related disorder. Also called: SLCO1B3-related condition.

Submissions (2):

PreventionGenetics, part of Exact Sciences
Classification: Likely pathogenic for SLCO1B3-related condition. Last evaluated: 2026-02-10. Review status: criteria provided, single submitter. Criteria: ACMG Guidelines, 2015. Collection method: clinical testing. Allele origin: germline.
Comment: The SLCO1B3 c.1637dupT variant is predicted to result in a frameshift and premature protein termination (p.Leu546Phefs*21). To our knowledge, this variant has not been reported in the literature. This variant is reported in 0.059% of alleles in individuals of Latino descent in gnomAD. Frameshift variants in SLCO1B3 are expected to be pathogenic. This variant is interpreted as likely pathogenic.

ARUP Laboratories, Molecular Genetics and Genomics, ARUP Laboratories
Classification: Pathogenic for Rotor syndrome. Last evaluated: 2021-02-11. Review status: criteria provided, single submitter. Criteria: ARUP Molecular Germline Variant Investigation Process 2021. Collection method: clinical testing. Allele origin: germline.